The following is an entry in ClinVar:

NM_020937.4(FANCM):c.3800A>G (p.Lys1267Arg)

Gene: FANCM (FA complementation group M; plus strand). Cytogenetic location: 14q21.2.
Variant type: single nucleotide variant.
Coding change: c.3800A>G on transcript NM_020937.4 (MANE Select); coding-DNA position 3800, A replaced by G.
Protein change: p.Lys1267Arg; replaces lysine 1267 with arginine.
Molecular consequence: missense variant.
Genome position (GRCh38, 1-based): chr14:45,176,554, A>G. VCF-style: chr14-45176554-A-G. GRCh37 (hg19) VCF-style: chr14-45645757-A-G.
Other names: c.3722A>G, p.Lys1241Arg (NM_001308133.2); short protein forms K1241R, K1267R.
Identifiers: ClinVar variation 4871123 (VCV004871123.1).

ClinVar aggregate classification (germline): Uncertain significance (1 of 4 stars; one submission).

Conditions:
Inborn genetic diseases. Identifiers: MedGen C0950123, MeSH D030342.

Submission:

Ambry Genetics
Classification: Uncertain significance for Inborn genetic diseases. Last evaluated: 2026-05-14. Review status: criteria provided, single submitter. Criteria: Ambry Variant Classification Scheme 2023. Collection method: clinical testing. Allele origin: germline.
Comment: The p.K1267R variant (also known as c.3800A>G), located in coding exon 14 of the FANCM gene, results from an A to G substitution at nucleotide position 3800. The lysine at codon 1267 is replaced by arginine, an amino acid with highly similar properties. This amino acid position is conserved. In addition, this alteration is predicted to be tolerated by in silico analysis. Based on the available evidence, the clinical significance of this variant remains unclear.